The following is an entry in ClinVar:

NM_000548.5(TSC2):c.286G>A (p.Glu96Lys)

Gene: TSC2 (TSC complex subunit 2; plus strand). Cytogenetic location: 16p13.3.
Variant type: single nucleotide variant.
Coding change: c.286G>A on transcript NM_000548.5 (MANE Select); coding-DNA position 286, G replaced by A.
Protein change: p.Glu96Lys; replaces glutamic acid 96 with lysine.
Molecular consequence: missense variant. On other transcripts: intron variant (2).
Genome position (GRCh38, 1-based): chr16:2,053,402, G>A. VCF-style: chr16-2053402-G-A. GRCh37 (hg19) VCF-style: chr16-2103403-G-A.
Other names: c.286G>A, p.Glu96Lys (NM_001077183.3, NM_001114382.3, NM_001363528.2 and 3 more transcripts); c.139G>A, p.Glu47Lys (NM_001318829.2); c.319G>A, p.Glu107Lys (NM_001318832.2); c.226-894G>A (NM_001318827.2); c.-1-2794G>A (NM_001318831.2); short protein forms E107K, E47K, E96K.
Identifiers: ClinVar variation 1057665 (VCV001057665.11), dbSNP rs2151027724, ClinGen allele CA394305751.
Genomic context (GRCh38, chr16:2,053,402, plus strand): 5'-CACGCAGTGGAAGCACTCTGGAAGGCGGTCGCGGATCTGTTGCAGCCGGAGCGGCCGCTG[G>A]AGGCCCGGCACGCGGTGCTGGCTCTGCTGAAGGCCATCGTGCAGGGGCAGGTAAGGCCCA-3'
Protein context (NP_000539.2, residues 86-106): ADLLQPERPL[Glu96Lys]ARHAVLALLK

ClinVar aggregate classification (germline): Uncertain significance. Review status: criteria provided, multiple submitters, no conflicts (2 of 4 stars). 2 submissions from 2 submitters: Uncertain significance (2). Last evaluated 2025-06-19.

Conditions:
Tuberous sclerosis 2 (TSC2). Identifiers: Orphanet 805, MedGen C1860707, MONDO:0013199, OMIM 613254.
Tuberous sclerosis syndrome (TSC). Also called: Tuberous Sclerosis Complex; Tuberous sclerosis. Identifiers: Orphanet 805, MedGen C0041341, MONDO:0001734.

Submissions (2):

Labcorp Genetics (formerly Invitae), Labcorp
Classification: Uncertain significance for Tuberous sclerosis 2. Last evaluated: 2025-06-19. Review status: criteria provided, single submitter. Criteria: Invitae Variant Classification Sherloc (09022015). Collection method: clinical testing. Allele origin: germline.
Comment: This sequence change replaces glutamic acid, which is acidic and polar, with lysine, which is basic and polar, at codon 96 of the TSC2 protein (p.Glu96Lys). This variant is not present in population databases (gnomAD no frequency). This variant has not been reported in the literature in individuals affected with TSC2-related conditions. ClinVar contains an entry for this variant (Variation ID: 1057665). Invitae Evidence Modeling of protein sequence and biophysical properties (such as structural, functional, and spatial information, amino acid conservation, physicochemical variation, residue mobility, and thermodynamic stability) indicates that this missense variant is not expected to disrupt TSC2 protein function with a negative predictive value of 95%. In summary, the available evidence is currently insufficient to determine the role of this variant in disease. Therefore, it has been classified as a Variant of Uncertain Significance.

All of Us Research Program, National Institutes of Health
Classification: Uncertain significance for Tuberous sclerosis syndrome. Last evaluated: 2024-09-23. Review status: criteria provided, single submitter. Criteria: ACMG Guidelines, 2015. Collection method: clinical testing. Allele origin: germline. Inheritance: Autosomal dominant inheritance. Observed: 1 variant allele, 1 heterozygote.
Comment: This study involves interpretation of variants in research participants for the purpose of population health screening. Participant phenotype was not available at the time of variant classification. Additional details can be found in publication PMID: 35346344, PMCID: PMC8962531